The following is an entry in ClinVar:

ClinVar aggregate classification (germline): Pathogenic (1 of 4 stars; one submission).

Submission:

Labcorp Genetics (formerly Invitae), Labcorp
Classification: Pathogenic. Last evaluated: 2025-06-12. Review status: criteria provided, single submitter. Criteria: Invitae Variant Classification Sherloc (09022015). Collection method: clinical testing. Allele origin: germline.
Comment: This sequence change creates a premature translational stop signal (p.Gln305Glyfs*5) in the ARNT2 gene. It is expected to result in an absent or disrupted protein product. Loss-of-function variants in ARNT2 are known to be pathogenic (PMID: 24022475). This variant is not present in population databases (gnomAD no frequency). This variant has not been reported in the literature in individuals affected with ARNT2-related conditions. For these reasons, this variant has been classified as Pathogenic.

Literature cited by the submitters: PubMed 24022475.

NM_014862.4(ARNT2):c.908_911dup (p.Gln305fs)

Gene: ARNT2 (aryl hydrocarbon receptor nuclear translocator 2; plus strand). Cytogenetic location: 15q25.1.
Variant type: Duplication.
Coding change: c.908_911dup on transcript NM_014862.4 (MANE Select); coding-DNA positions 908 to 911, 4 bases duplicated (TGGG; older notation c.908_911dupTGGG).
Protein change: p.Gln305fs; shifts the reading frame from glutamine 305.
Molecular consequence: frameshift variant.
Genome position (GRCh38, 1-based): chr15:80,551,229-80,551,232, TGGG duplicated; duplicating any 4 consecutive bases within chr15:80,551,228-80,551,232 gives the same sequence; the c. name uses the placement nearest the transcript's 3' end. VCF-style (leftmost placement, unchanged base first): chr15-80551227-T-TGTGG. GRCh37 (hg19) VCF-style: chr15-80843568-T-TGTGG.
Other names: short protein forms Q305fs.
Identifiers: ClinVar variation 4715492 (VCV004715492.1).